The following is an entry in ClinVar:

NM_024422.6(DSC2):c.1269G>A (p.Leu423=)

Gene: DSC2 (desmocollin 2; minus strand). Cytogenetic location: 18q12.1.
Variant type: single nucleotide variant.
Coding change: c.1269G>A on transcript NM_024422.6 (MANE Select); coding-DNA position 1269, G replaced by A.
Protein change: p.Leu423=; no amino-acid change (leucine 423 retained).
Molecular consequence: synonymous variant.
Genome position (GRCh38, 1-based): chr18:31,080,347, C>T on the plus strand (G>A on the coding strand, the complement: DSC2 is on the minus strand). VCF-style: chr18-31080347-C-T. GRCh37 (hg19) VCF-style: chr18-28660313-C-T.
Other names: c.1269G>A, p.Leu423= (NM_004949.5).
Identifiers: ClinVar variation 261706 (VCV000261706.22), dbSNP rs376049846, ClinGen allele CA030757.

ClinVar aggregate classification (germline): Benign/Likely benign. Review status: criteria provided, multiple submitters, no conflicts (2 of 4 stars). 10 submissions from 10 submitters: Benign (1); Likely benign (7). 2 of the submissions do not count toward it. Last evaluated 2026-01-19.

Conditions:
Familial isolated arrhythmogenic right ventricular dysplasia. Identifiers: Orphanet 217656, MedGen C4274968, MONDO:0016342.
Cardiovascular phenotype. Identifiers: MedGen CN230736.
Arrhythmogenic right ventricular dysplasia 11. Also called: Arrhythmogenic Right Ventricular Dysplasia/Cardiomyopathy11; Arrhythmogenic right ventricular dysplasia 11 with mild palmoplantar keratoderma and woolly hair; ARRHYTHMOGENIC RIGHT VENTRICULAR DYSPLASIA, FAMILIAL, 11. Identifiers: MedGen C1864850, MONDO:0012506, OMIM 610476.
Cardiomyopathy (CMYO). Also called: Cardiomyopathies. Identifiers: Orphanet 167848, MedGen C0878544, MONDO:0004994, HP:0001638. Inheritance: Various modes of inheritance.

Allele frequency attached by ClinVar (database versions not stated): gnomAD 0.00032; ESP Exome Variant Server 0.00008; gnomAD exomes 0.00013; ExAC 0.00014; TOPMed 0.00017.
gnomAD v4.1: 429 of 1,613,586 alleles (0.027%); highest among the groups gnomAD compares: Non-Finnish European, 0.034%; no homozygotes.

Submissions (10):

Labcorp Genetics (formerly Invitae), Labcorp
Classification: Likely benign for Arrhythmogenic right ventricular dysplasia 11. Last evaluated: 2026-01-19. Review status: criteria provided, single submitter. Criteria: Invitae Variant Classification Sherloc (09022015). Collection method: clinical testing. Allele origin: germline.

Women's Health and Genetics/Laboratory Corporation of America, LabCorp
Classification: Likely benign. Last evaluated: 2025-10-21. Review status: criteria provided, single submitter. Criteria: LabCorp Variant Classification Summary - May 2015. Collection method: clinical testing. Allele origin: germline.

Blueprint Genetics
Classification: Likely benign. Last evaluated: 2024-02-22. Review status: criteria provided, single submitter. Criteria: ACMG Guidelines, 2015. Collection method: clinical testing. Allele origin: germline.

All of Us Research Program, National Institutes of Health
Classification: Likely benign for Familial isolated arrhythmogenic right ventricular dysplasia. Last evaluated: 2024-02-05. Review status: criteria provided, single submitter. Criteria: ACMG Guidelines, 2015. Collection method: clinical testing. Allele origin: germline. Inheritance: Autosomal dominant inheritance. Observed: 49 variant alleles, 49 heterozygotes.
Comment: This study involves interpretation of variants in research participants for the purpose of population health screening. Participant phenotype was not available at the time of variant classification. Additional details can be found in publication PMID: 35346344, PMCID: PMC8962531

Ambry Genetics
Classification: Likely benign for Cardiovascular phenotype. Last evaluated: 2019-08-21. Review status: criteria provided, single submitter. Criteria: Ambry Variant Classification Scheme 2023. Collection method: clinical testing. Allele origin: germline.

Color Diagnostics, LLC DBA Color Health
Classification: Likely benign for Cardiomyopathy. Last evaluated: 2018-10-30. Review status: criteria provided, single submitter. Criteria: ACMG Guidelines, 2015. Collection method: clinical testing. Allele origin: germline.

GeneDx
Classification: Benign. Last evaluated: 2016-05-31. Review status: criteria provided, single submitter. Criteria: GeneDx Variant Classification (06012015). Collection method: clinical testing. Allele origin: germline. Affected: yes.
Comment: This variant is considered likely benign or benign based on one or more of the following criteria: it is a conservative change, it occurs at a poorly conserved position in the protein, it is predicted to be benign by multiple in silico algorithms, and/or has population frequency not consistent with disease.

PreventionGenetics, part of Exact Sciences
Classification: Likely benign. Review status: criteria provided, single submitter. Criteria: ACMG Guidelines, 2015. Collection method: clinical testing. Allele origin: germline.

Clinical Genetics DNA and cytogenetics Diagnostics Lab, Erasmus MC, Erasmus Medical Center
Classification: Likely benign. Review status: no assertion criteria provided. Collection method: clinical testing. Allele origin: germline. Affected: yes. Study: VKGL Data-share Consensus. Not counted in ClinVar's aggregate classification.

Clinical Genetics, Academic Medical Center
Classification: Benign. Review status: no assertion criteria provided. Collection method: clinical testing. Allele origin: germline. Affected: yes. Study: VKGL Data-share Consensus. Not counted in ClinVar's aggregate classification.